The following is an entry in ClinVar:

ClinVar aggregate classification (germline): Pathogenic (1 of 4 stars; one submission).

Submission:

Labcorp Genetics (formerly Invitae), Labcorp
Classification: Pathogenic. Last evaluated: 2025-02-06. Review status: criteria provided, single submitter. Criteria: Invitae Variant Classification Sherloc (09022015). Collection method: clinical testing. Allele origin: germline.
Comment: This sequence change creates a premature translational stop signal (p.Tyr57Valfs*35) in the CSGALNACT1 gene. It is expected to result in an absent or disrupted protein product. Loss-of-function variants in CSGALNACT1 are known to be pathogenic (PMID: 21148564, 27599773, 31325655). This variant is present in population databases (rs749011747, gnomAD 0.007%). This variant has not been reported in the literature in individuals affected with CSGALNACT1-related conditions. For these reasons, this variant has been classified as Pathogenic.

Literature cited by the submitters: PubMed 21148564; PubMed 27599773; PubMed 31325655.

NM_001354483.2(CSGALNACT1):c.168dup (p.Tyr57fs)

Gene: CSGALNACT1 (chondroitin sulfate N-acetylgalactosaminyltransferase 1; minus strand). Cytogenetic location: 8p21.3.
Variant type: Duplication.
Coding change: c.168dup on transcript NM_001354483.2 (MANE Select); coding-DNA position 168, one base duplicated (G; older notation c.168dupG).
Protein change: p.Tyr57fs; shifts the reading frame from tyrosine 57.
Molecular consequence: frameshift variant. On other transcripts: non-coding transcript variant (7).
Genome position (GRCh38, 1-based): chr8:19,505,667, C duplicated on the plus strand (G on the coding strand, the reverse complement: CSGALNACT1 is on the minus strand); the first of 4 consecutive C bases (chr8:19,505,667-19,505,670); duplicating any one gives the same sequence. VCF-style (leftmost placement, unchanged base first): chr8-19505666-A-AC. GRCh37 (hg19) VCF-style: chr8-19363177-A-AC.
Other names: c.168dup, p.Tyr57fs (NM_001354489.2, NM_018371.5, NM_001354487.2 and 18 more transcripts); short protein forms Y57fs.
Identifiers: ClinVar variation 4770051 (VCV004770051.1).
Genomic context (GRCh38, chr8:19,505,666, plus strand): 5'-GCTTCAGGCTGCTCACGTAGTTGCGGTGCTGCTCCTCCCACTCCTGAAGGACGGCCTGGT[A>AC]CCCCTCCTTCCCCGTGGGGCTGTTGGCCCTGGGCAGTGCCAGCTGCTCCTCGTCACCTTT-3'